The following is an entry in ClinVar:

ClinVar aggregate classification (germline): Likely pathogenic. Review status: criteria provided, multiple submitters, no conflicts (2 of 4 stars). 3 submissions from 3 submitters: Likely pathogenic (2). 1 of the submissions does not count toward it. Last evaluated 2025-10-17.

Conditions:
Retinal dystrophy. Also called: Inherited retinal dystrophy. Identifiers: Orphanet 71862, MedGen C0854723, MeSH D058499, MONDO:0019118, HP:0000556.
IMPG1-related disorder. Also called: IMPG1-related condition.
Incidental Discovery. Identifiers: MedGen C1135954.

gnomAD v4.1: 8 of 1,561,202 alleles (0.00051%); highest among the groups gnomAD compares: Middle Eastern, 0.051%; no homozygotes.

Submissions (3):

Clinical Genetics Laboratory, Skane University Hospital Lund
Classification: Likely pathogenic for Incidental Discovery. Last evaluated: 2025-10-17. Review status: criteria provided, single submitter. Criteria: ACMG Guidelines, 2015. Collection method: clinical testing. Allele origin: germline.
Comment: Found in a heterozygous state. Incidental finding. ACMG criteria applied: PVS1, PM2.

Blueprint Genetics
Classification: Likely pathogenic for IMPG1-related disorders. Last evaluated: 2017-08-15. Review status: criteria provided, single submitter. Criteria: ACMG Guidelines, 2015. Collection method: clinical testing. Allele origin: germline. Affected: yes. Observed: 2 variant alleles.

Institute of Human Genetics, Univ. Regensburg, Univ. Regensburg
Classification: Pathogenic for Retinal dystrophy. Last evaluated: 2023-01-01. Review status: no assertion criteria provided. Criteria: ACMG Guidelines, 2015. Collection method: clinical testing. Allele origin: germline. Affected: yes. Not counted in ClinVar's aggregate classification.

NM_001563.4(IMPG1):c.498-1G>C

Gene: IMPG1 (interphotoreceptor matrix proteoglycan 1; minus strand). Cytogenetic location: 6q14.1.
Variant type: single nucleotide variant.
Coding change: c.498-1G>C on transcript NM_001563.4 (MANE Select); the canonical splice acceptor site of the intron before coding-DNA position 498, G replaced by C.
Molecular consequence: splice acceptor variant.
Genome position (GRCh38, 1-based): chr6:76,025,259, C>G on the plus strand (G>C on the coding strand, the complement: IMPG1 is on the minus strand). VCF-style: chr6-76025259-C-G. GRCh37 (hg19) VCF-style: chr6-76734976-C-G.
Other names: c.264-1G>C (NM_001282368.2).
Identifiers: ClinVar variation 3249089 (VCV003249089.3).
Genomic context (GRCh38, chr6:76,025,259, plus strand): 5'-GAAATGACAATGGTTTCACCAGGCTCTCCCAATGTCTTCTCTGCAGATATTTCATCTTTT[C>G]TATTAGTACAATAGAAAAGAAGGAAGAGGTGGTGAAAGAGAACTTGATGACAGTAGAGAA-3'